The following is an entry in ClinVar:

ClinVar aggregate classification (germline): Uncertain significance (1 of 4 stars; one submission).

Submission:

GeneDx
Classification: Uncertain significance. Last evaluated: 2025-09-12. Review status: criteria provided, single submitter. Criteria: GeneDx Variant Classification Process June 2021. Collection method: clinical testing. Allele origin: germline.
Comment: In silico analysis supports a deleterious effect on splicing; Located in a regulatory region; in the absence of functional studies, the actual effect of this sequence change is unknown; No data available from control populations to assess the frequency of this variant; Has not been previously published as pathogenic or benign to our knowledge

NM_031307.4(PUS3):c.-47+2_-47+3insG

Gene: PUS3 (pseudouridine synthase 3; minus strand). Cytogenetic location: 11q24.2.
Variant type: Insertion.
Coding change: c.-47+2_-47+3insG on transcript NM_031307.4 (MANE Select); the canonical splice donor site of the intron after 47 bases upstream of the start codon through 3 bases into the intron after 47 bases upstream of the start codon, G inserted.
Molecular consequence: splice donor variant.
Genome position: GRCh38 VCF-style: chr11-125903167-T-TC. GRCh37 (hg19) VCF-style: chr11-125773062-T-TC.
Other names: c.-247+2_-247+3insG (NM_001271985.2).
Identifiers: ClinVar variation 1804562 (VCV001804562.2), dbSNP rs2497091736, ClinGen allele CA2575020661.